The following is an entry in ClinVar:

ClinVar aggregate classification (germline): Uncertain significance (1 of 4 stars; one submission).

Conditions:
Hypokalemic periodic paralysis, type 1. Also called: HypoPP; Hypokalemic Periodic Paralysis Type 1 (AD). Identifiers: Orphanet 681, MedGen C3714580, MONDO:0042979, OMIM 170400.
Malignant hyperthermia, susceptibility to, 5 (MHS5). Also called: CACNA1S-Related Malignant Hyperthermia Susceptibility. Identifiers: Orphanet 423, MedGen C1866077, MONDO:0011163, OMIM 601887.

Allele frequency attached by ClinVar (database versions not stated): TOPMed below 0.00001.

Submission:

Labcorp Genetics (formerly Invitae), Labcorp
Classification: Uncertain significance for Hypokalemic periodic paralysis, type 1; Malignant hyperthermia, susceptibility to, 5. Last evaluated: 2022-09-16. Review status: criteria provided, single submitter. Criteria: Invitae Variant Classification Sherloc (09022015). Collection method: clinical testing. Allele origin: germline.
Comment: Advanced modeling of protein sequence and biophysical properties (such as structural, functional, and spatial information, amino acid conservation, physicochemical variation, residue mobility, and thermodynamic stability) has been performed at Invitae for this missense variant, however the output from this modeling did not meet the statistical confidence thresholds required to predict the impact of this variant on CACNA1S protein function. In summary, the available evidence is currently insufficient to determine the role of this variant in disease. Therefore, it has been classified as a Variant of Uncertain Significance. This variant has not been reported in the literature in individuals affected with CACNA1S-related conditions. This variant is not present in population databases (gnomAD no frequency). This sequence change replaces alanine, which is neutral and non-polar, with aspartic acid, which is acidic and polar, at codon 200 of the CACNA1S protein (p.Ala200Asp).

NM_000069.3(CACNA1S):c.599C>A (p.Ala200Asp)

Gene: CACNA1S (calcium voltage-gated channel subunit alpha1 S; minus strand). Cytogenetic location: 1q32.1.
Variant type: single nucleotide variant.
Coding change: c.599C>A on transcript NM_000069.3 (MANE Select); coding-DNA position 599, C replaced by A.
Protein change: p.Ala200Asp; replaces alanine 200 with aspartic acid.
Molecular consequence: missense variant.
Genome position (GRCh38, 1-based): chr1:201,091,735, G>T on the plus strand (C>A on the coding strand, the complement: CACNA1S is on the minus strand). VCF-style: chr1-201091735-G-T. GRCh37 (hg19) VCF-style: chr1-201060863-G-T.
Other names: short protein forms A200D.
Identifiers: ClinVar variation 1719586 (VCV001719586.6), dbSNP rs1662240997, ClinGen allele CA344140252.
Genomic context (GRCh38, chr1:201,091,735, plus strand): 5'-CCCTTGAAGAGCTCCAGCCCGATGATGGCATAGATGATGACCATAAAGAGGACCAGCAGG[G>T]CGATGTGAAAGAGGGGGAGCATGGCCTTGAAGATGGAGTTCAGGACCACCTGCAGGCCTG-3'
Protein context (NP_000060.2, residues 190-210): FKAMLPLFHI[Ala200Asp]LLVLFMVIIY